The following is an entry in ClinVar:

NM_138704.4(NSMCE3):c.383A>G (p.Lys128Arg)

Genes: ENTREP2 (endosomal transmembrane epsin interactor 2; minus strand), NSMCE3 (NSE3 homolog, SMC5-SMC6 complex component; minus strand). Cytogenetic location: 15q13.1.
Variant type: single nucleotide variant.
Coding change: c.383A>G on transcript NM_138704.4 (MANE Select); coding-DNA position 383, A replaced by G.
Protein change: p.Lys128Arg; replaces lysine 128 with arginine.
Molecular consequence: missense variant. On other transcripts: intron variant (5).
Genome position (GRCh38, 1-based): chr15:29,269,323, T>C on the plus strand (A>G on the coding strand, the complement: NSMCE3 is on the minus strand). VCF-style: chr15-29269323-T-C. GRCh37 (hg19) VCF-style: chr15-29561527-T-C.
Other names: c.-12-16845A>G (NM_001387217.1, NM_001387215.1, NM_001387216.1); c.277-16845A>G (NM_001387214.1, NM_015307.2); short protein forms K128R.
Identifiers: ClinVar variation 1949372 (VCV001949372.2), dbSNP rs377386735, ClinGen allele CA7446145.
Genomic context (GRCh38, chr15:29,269,323, plus strand): 5'-TTGGGTTCAAGTTCCACCAGCTTATACCCGAAGACGTACTGGAGGCGCTCGGCGGCCCGT[T>C]TGAAGAGGTCGGGGAAGATGTCCTTGTAGTCCCCGATGACGTGCTTCAGTATGTCGGCCC-3'
Protein context (NP_619649.1, residues 118-138): DYKDIFPDLF[Lys128Arg]RAAERLQYVF

ClinVar aggregate classification (germline): Uncertain significance (1 of 4 stars; one submission).

Allele frequency attached by ClinVar (database versions not stated): gnomAD exomes below 0.00001; TOPMed below 0.00001; ExAC 0.00001; gnomAD 0.00001; ESP Exome Variant Server 0.00008.
gnomAD v4.1: 7 of 1,614,024 alleles (0.00043%); highest among the groups gnomAD compares: Middle Eastern, 0.016%; no homozygotes.

Submission:

Labcorp Genetics (formerly Invitae), Labcorp
Classification: Uncertain significance. Last evaluated: 2022-05-29. Review status: criteria provided, single submitter. Criteria: Invitae Variant Classification Sherloc (09022015). Collection method: clinical testing. Allele origin: germline.
Comment: This sequence change replaces lysine, which is basic and polar, with arginine, which is basic and polar, at codon 128 of the NSMCE3 protein (p.Lys128Arg). This variant is present in population databases (rs377386735, gnomAD 0.002%). This variant has not been reported in the literature in individuals affected with NSMCE3-related conditions. Algorithms developed to predict the effect of missense changes on protein structure and function output the following: SIFT: "Tolerated"; PolyPhen-2: "Benign"; Align-GVGD: "Class C0". The arginine amino acid residue is found in multiple mammalian species, which suggests that this missense change does not adversely affect protein function. In summary, the available evidence is currently insufficient to determine the role of this variant in disease. Therefore, it has been classified as a Variant of Uncertain Significance.